The following is an entry in ClinVar:

ClinVar aggregate classification (germline): Pathogenic. Review status: reviewed by expert panel (3 of 4 stars). 5 submissions from 5 submitters: Pathogenic (1). 4 of the submissions do not count toward it. Last evaluated 2017-12-15.

Conditions:
Hereditary breast ovarian cancer syndrome. Also called: Hereditary breast and ovarian cancer syndrome (HBOC); BRCA1- and BRCA2-Associated Hereditary Breast and Ovarian Cancer; Hereditary breast and/or ovarian cancer syndrome; Hereditary breast and ovarian cancer syndrome; Hereditary breast and ovarian cancer; Breast and ovarian cancer. Identifiers: Orphanet 145, MedGen C0677776, MeSH D061325, MONDO:0003582. Disease mechanism: loss of function.
Hereditary cancer-predisposing syndrome. Also called: Neoplastic Syndromes, Hereditary; Hereditary neoplastic syndrome; Tumor predisposition; Hereditary Cancer Syndrome. Identifiers: Orphanet 140162, MedGen C0027672, MeSH D009386, MONDO:0015356.
BRCA1-related disorder. Also called: BRCA1-related condition.
Breast-ovarian cancer, familial, susceptibility to, 1 (BROVCA1). Also called: BRCA1 Hereditary Breast and Ovarian Cancer; OVARIAN CANCER, SUSCEPTIBILITY TO. Identifiers: Orphanet 145, MedGen C2676676, MONDO:0011450, OMIM 604370. Disease mechanism: loss of function.

Submissions (5):

Evidence-based Network for the Interpretation of Germline Mutant Alleles (ENIGMA)
Classification: Pathogenic for Breast-ovarian cancer, familial, susceptibility to, 1. Last evaluated: 2017-12-15. Review status: reviewed by expert panel. Criteria: ENIGMA BRCA1/2 Classification Criteria (2017-06-29). Collection method: curation. Allele origin: germline. Study: ENIGMA.
Comment: Variant allele predicted to encode a truncated non-functional protein.

PreventionGenetics, part of Exact Sciences
Classification: Pathogenic for BRCA1-related condition. Last evaluated: 2026-08-24. Review status: criteria provided, single submitter. Criteria: ACMG Guidelines, 2015. Collection method: clinical testing. Allele origin: germline. Not counted in ClinVar's aggregate classification.
Comment: The BRCA1 c.5091delT variant is predicted to result in a frameshift and premature protein termination (p.Cys1697Trpfs*5). This variant has not been reported in the literature or in a large population database (gnomAD), indicating this variant is rare. This variant is consistently interpreted as pathogenic in ClinVar (ClinVar ID: 431272). Frameshift variants in BRCA1 are expected to be pathogenic. This variant is interpreted as pathogenic.

Ambry Genetics
Classification: Pathogenic for Hereditary cancer-predisposing syndrome. Last evaluated: 2024-02-06. Review status: criteria provided, single submitter. Criteria: Ambry Variant Classification Scheme 2023. Collection method: clinical testing. Allele origin: germline. Not counted in ClinVar's aggregate classification.
Comment: The c.5091delT pathogenic mutation, located in coding exon 16 of the BRCA1 gene, results from a deletion of one nucleotide at nucleotide position 5091, causing a translational frameshift with a predicted alternate stop codon (p.C1697Wfs*5). This variant is considered to be rare based on population cohorts in the Genome Aggregation Database (gnomAD). This alteration is expected to result in loss of function by premature protein truncation or nonsense-mediated mRNA decay. As such, this alteration is interpreted as a disease-causing mutation.

Labcorp Genetics (formerly Invitae), Labcorp
Classification: Pathogenic for Hereditary breast ovarian cancer syndrome. Last evaluated: 2023-09-04. Review status: criteria provided, single submitter. Criteria: Invitae Variant Classification Sherloc (09022015). Collection method: clinical testing. Allele origin: germline. Not counted in ClinVar's aggregate classification.
Comment: For these reasons, this variant has been classified as Pathogenic. ClinVar contains an entry for this variant (Variation ID: 431272). This variant has not been reported in the literature in individuals affected with BRCA1-related conditions. This variant is not present in population databases (gnomAD no frequency). This sequence change creates a premature translational stop signal (p.Cys1697Trpfs*5) in the BRCA1 gene. It is expected to result in an absent or disrupted protein product. Loss-of-function variants in BRCA1 are known to be pathogenic (PMID: 20104584).

Research Molecular Genetics Laboratory, Women's College Hospital, University of Toronto
Classification: Pathogenic for Hereditary breast ovarian cancer syndrome. Last evaluated: 2014-01-31. Review status: no assertion criteria provided. Collection method: research. Allele origin: germline. Affected: yes. Study: The Canadian Open Genetics Repository (COGR). Not counted in ClinVar's aggregate classification.

Literature cited by the submitters: PubMed 20104584 (cited by Labcorp Genetics (formerly Invitae), Labcorp).

NM_007294.4(BRCA1):c.5091del (p.Cys1697fs)

Gene: BRCA1 (BRCA1 DNA repair associated; minus strand). Cytogenetic location: 17q21.31.
Variant type: Deletion.
Coding change: c.5091del on transcript NM_007294.4 (MANE Select); coding-DNA position 5091, one base deleted (T; older notation c.5091delT).
Protein change: p.Cys1697fs; shifts the reading frame from cysteine 1697.
Molecular consequence: frameshift variant. On other transcripts: non-coding transcript variant (1).
Genome position (GRCh38, 1-based): chr17:43,063,935, A deleted on the plus strand (T on the coding strand, the reverse complement: BRCA1 is on the minus strand). VCF-style (leftmost placement, unchanged base first): chr17-43063934-CA-C. GRCh37 (hg19) VCF-style: chr17-41215951-CA-C.
Other names: c.4758delT, p.Cys1586Trpfs (NM_001407947.1, NM_001407948.1, NM_001407949.1 and 1 more transcripts); c.4755delT, p.Cys1585Trpfs (NM_001407950.1, NM_001407951.1, NM_001407952.1 and 3 more transcripts); c.4752delT, p.Cys1584Trpfs (NM_001407956.1, NM_001407957.1, NM_001407958.1); c.4710delT, p.Cys1570Trpfs (NM_001407959.1); c.4707delT, p.Cys1569Trpfs (NM_001407960.1, NM_001407962.1); c.4704delT, p.Cys1568Trpfs (NM_001407963.1); c.4629delT, p.Cys1543Trpfs (NM_001407964.1); c.4584delT, p.Cys1528Trpfs (NM_001407965.1); and 74 more; short protein forms C1718fs, C1697fs, C593fs, C1650fs.
Identifiers: ClinVar variation 431272 (VCV000431272.12), dbSNP rs1135401882, ClinGen allele CA645373158.